The following is an entry in ClinVar:

ClinVar aggregate classification (germline): Uncertain significance (1 of 4 stars; one submission).

Conditions:
Pityriasis rubra pilaris (PRP). Also called: Pityriasis rubra pilaris--familial type. Identifiers: Orphanet 2897, MedGen C0032027, MONDO:0100017, OMIM 173200, MONDO:0008251.
Psoriasis 2. Identifiers: MedGen C1864497, MONDO:0011269, OMIM 602723.

gnomAD v4.1: 2 of 1,610,404 alleles (0.00012%); highest among the groups gnomAD compares: South Asian, 0.0011%; no homozygotes.

Submission:

Labcorp Genetics (formerly Invitae), Labcorp
Classification: Uncertain significance for Pityriasis rubra pilaris; Psoriasis 2. Last evaluated: 2025-03-07. Review status: criteria provided, single submitter. Criteria: Invitae Variant Classification Sherloc (09022015). Collection method: clinical testing. Allele origin: germline.
Comment: This sequence change replaces valine, which is neutral and non-polar, with isoleucine, which is neutral and non-polar, at codon 239 of the CARD14 protein (p.Val239Ile). This variant is not present in population databases (gnomAD no frequency). This variant has not been reported in the literature in individuals affected with CARD14-related conditions. ClinVar contains an entry for this variant (Variation ID: 1931242). Invitae Evidence Modeling of protein sequence and biophysical properties (such as structural, functional, and spatial information, amino acid conservation, physicochemical variation, residue mobility, and thermodynamic stability) indicates that this missense variant is not expected to disrupt CARD14 protein function with a negative predictive value of 95%. In summary, the available evidence is currently insufficient to determine the role of this variant in disease. Therefore, it has been classified as a Variant of Uncertain Significance.

NM_001366385.1(CARD14):c.715G>A (p.Val239Ile)

Gene: CARD14 (caspase recruitment domain family member 14; plus strand). Cytogenetic location: 17q25.3.
Variant type: single nucleotide variant.
Coding change: c.715G>A on transcript NM_001366385.1 (MANE Select); coding-DNA position 715, G replaced by A.
Protein change: p.Val239Ile; replaces valine 239 with isoleucine.
Molecular consequence: missense variant. On other transcripts: non-coding transcript variant (1).
Genome position (GRCh38, 1-based): chr17:80,188,416, G>A. VCF-style: chr17-80188416-G-A. GRCh37 (hg19) VCF-style: chr17-78162215-G-A.
Other names: c.715G>A, p.Val239Ile (NM_001257970.1, NM_024110.4); c.4G>A, p.Val2Ile (NM_052819.3); short protein forms V239I, V2I.
Identifiers: ClinVar variation 1931242 (VCV001931242.5), dbSNP rs971020345, ClinGen allele CA294862565.